The following is an entry in ClinVar:

NM_014714.4(IFT140):c.810+6T>C

Genes: IFT140 (intraflagellar transport 140; minus strand), LOC105371046 (uncharacterized LOC105371046; plus strand). Cytogenetic location: 16p13.3.
Variant type: single nucleotide variant.
Coding change: c.810+6T>C on transcript NM_014714.4 (MANE Select); 6 bases into the intron after coding-DNA position 810, T replaced by C.
Molecular consequence: intron variant.
Genome position (GRCh38, 1-based): chr16:1,589,599, A>G on the plus strand (T>C on the coding strand, the complement: IFT140 is on the minus strand). VCF-style: chr16-1589599-A-G. GRCh37 (hg19) VCF-style: chr16-1639600-A-G.
Identifiers: ClinVar variation 967418 (VCV000967418.7), dbSNP rs2035068589, ClinGen allele CA1139664292.

ClinVar aggregate classification (germline): Uncertain significance (1 of 4 stars; one submission).

Conditions:
Saldino-Mainzer syndrome (SRTD9). Also called: CONORENAL SYNDROME; SHORT-RIB THORACIC DYSPLASIA 9 WITHOUT POLYDACTYLY; short-rib thoracic dysplasia 9 with or without polydactyly; Renal dysplasia, retinal pigmentary dystrophy, cerebellar ataxia and skeletal dysplasia. Identifiers: Orphanet 140969, MedGen C1849437, MONDO:0009964, OMIM 266920.

Allele frequency attached by ClinVar (database versions not stated): gnomAD exomes below 0.00001.

Submission:

Labcorp Genetics (formerly Invitae), Labcorp
Classification: Uncertain significance for Saldino-Mainzer syndrome. Last evaluated: 2024-10-21. Review status: criteria provided, single submitter. Criteria: Invitae Variant Classification Sherloc (09022015). Collection method: clinical testing. Allele origin: germline.
Comment: This sequence change falls in intron 7 of the IFT140 gene. It does not directly change the encoded amino acid sequence of the IFT140 protein. It affects a nucleotide within the consensus splice site. This variant is not present in population databases (gnomAD no frequency). This variant has not been reported in the literature in individuals affected with IFT140-related conditions. ClinVar contains an entry for this variant (Variation ID: 967418). Variants that disrupt the consensus splice site are a relatively common cause of aberrant splicing (PMID: 17576681, 9536098). Algorithms developed to predict the effect of sequence changes on RNA splicing suggest that this variant is not likely to affect RNA splicing. In summary, the available evidence is currently insufficient to determine the role of this variant in disease. Therefore, it has been classified as a Variant of Uncertain Significance.

Literature cited by the submitters: PubMed 17576681; PubMed 9536098.